The following is an entry in ClinVar:

ClinVar aggregate classification (germline): Conflicting classifications of pathogenicity. Review status: criteria provided, conflicting classifications (1 of 4 stars). 8 submissions from 8 submitters: Uncertain significance (1); Likely benign (6). 1 of the submissions does not count toward it. Last evaluated 2026-05-01.

Conditions:
Nemaline myopathy 2 (NEM2). Also called: Nemaline myopathy 2, autosomal recessive. Identifiers: MedGen C1850569, MONDO:0009725, OMIM 256030.

Allele frequency attached by ClinVar (database versions not stated): ESP Exome Variant Server 0.00042; gnomAD exomes 0.00044; ExAC 0.00047; gnomAD 0.00051 and 0.00052; TOPMed 0.00056.
gnomAD v4.1: 1,557 of 1,605,908 alleles (0.097%); highest among the groups gnomAD compares: Non-Finnish European, 0.12%; 1 homozygote.

Submissions (8):

CeGaT Center for Human Genetics Tuebingen
Classification: Likely benign. Last evaluated: 2026-05-01. Review status: criteria provided, single submitter. Criteria: CeGaT Center For Human Genetics Tuebingen Variant Classification Criteria Version 2. Collection method: clinical testing. Allele origin: germline. Affected: yes. Observed: 2 variant alleles.
Comment: NEB: BP4, BP7

Labcorp Genetics (formerly Invitae), Labcorp
Classification: Likely benign for Nemaline myopathy 2. Last evaluated: 2026-01-28. Review status: criteria provided, single submitter. Criteria: Invitae Variant Classification Sherloc (09022015). Collection method: clinical testing. Allele origin: germline.

Blueprint Genetics
Classification: Likely benign. Last evaluated: 2024-10-28. Review status: criteria provided, single submitter. Criteria: ACMG Guidelines, 2015. Collection method: clinical testing. Allele origin: germline.

Revvity Omics, Revvity
Classification: Likely benign. Last evaluated: 2023-09-08. Review status: criteria provided, single submitter. Criteria: ACMG Guidelines, 2015. Collection method: clinical testing. Allele origin: germline.

Women's Health and Genetics/Laboratory Corporation of America, LabCorp
Classification: Likely benign. Last evaluated: 2021-05-23. Review status: criteria provided, single submitter. Criteria: LabCorp Variant Classification Summary - May 2015. Collection method: clinical testing. Allele origin: germline.

GeneDx
Classification: Likely benign. Last evaluated: 2021-01-19. Review status: criteria provided, single submitter. Criteria: GeneDx Variant Classification Process June 2021. Collection method: clinical testing. Allele origin: germline. Affected: yes.

Illumina Laboratory Services, Illumina
Classification: Uncertain significance for Nemaline myopathy 2. Last evaluated: 2018-01-12. Review status: criteria provided, single submitter. Criteria: ICSL Variant Classification Criteria 13 December 2019. Collection method: clinical testing. Allele origin: germline.

Natera, Inc.
Classification: Likely benign for Nemaline myopathy type 2. Last evaluated: 2020-04-27. Review status: no assertion criteria provided. Collection method: clinical testing. Allele origin: germline. Not counted in ClinVar's aggregate classification.

NM_001164508.2(NEB):c.984C>T (p.Thr328=)

Gene: NEB (nebulin; minus strand). Cytogenetic location: 2q23.3.
Variant type: single nucleotide variant.
Coding change: c.984C>T on transcript NM_001164508.2 (MANE Select); coding-DNA position 984, C replaced by T.
Protein change: p.Thr328=; no amino-acid change (threonine 328 retained).
Molecular consequence: synonymous variant.
Genome position (GRCh38, 1-based): chr2:151,709,707, G>A on the plus strand (C>T on the coding strand, the complement: NEB is on the minus strand). VCF-style: chr2-151709707-G-A. GRCh37 (hg19) VCF-style: chr2-152566221-G-A.
Other names: c.984C>T, p.Thr328= (NM_001164507.2, NM_001271208.2, NM_004543.5).
Identifiers: ClinVar variation 331538 (VCV000331538.48), dbSNP rs199969138, ClinGen allele CA1911724.
Genomic context (GRCh38, chr2:151,709,707, plus strand): 5'-TCCTCATACCTTGCTAGCTGCCACACCAGCTTTTTTATTCATTTTATACTCTGGTGTTTC[G>A]GTCTGCATGAAGTAGATCTGGTCTTTCATGTTTTCAAAATCTTCCTGGTATTTCCTCTGT-3'
Protein context (NP_001157980.2, residues 318-338): NMKDQIYFMQ[Thr328=]ETPEYKMNKK